The following is an entry in ClinVar:

ClinVar aggregate classification (germline): Benign (1 of 4 stars; one submission).

Allele frequency attached by ClinVar (database versions not stated): 1000 Genomes Project 30x 0.13289.

Submission:

GeneDx
Classification: Benign. Last evaluated: 2019-01-18. Review status: criteria provided, single submitter. Criteria: GeneDx Variant Classification Process June 2021. Collection method: clinical testing. Allele origin: germline. Affected: yes.
Comment: This variant is associated with the following publications: (PMID: 30084967)

NM_002124.4(HLA-DRB1):c.197C>T (p.Ser66Phe)

Gene: HLA-DRB1 (major histocompatibility complex, class II, DR beta 1; minus strand). Cytogenetic location: 6p21.32.
Variant type: single nucleotide variant.
Coding change: c.197C>T on transcript NM_002124.4 (MANE Select); coding-DNA position 197, C replaced by T.
Protein change: p.Ser66Phe; replaces serine 66 with phenylalanine.
Molecular consequence: missense variant. On other transcripts: no sequence alteration (1).
Genome position (GRCh38, 1-based): chr6:32,584,282, G>A on the plus strand (C>T on the coding strand, the complement: HLA-DRB1 is on the minus strand). VCF-style: chr6-32584282-G-A. GRCh37 (hg19) VCF-style: chr6-32552059-G-A.
Other names: c.197A>T, p.Asn66Ile (NM_001243965.1); c.197=, p.Phe66= (NM_001359193.1); c.197A>T, p.Tyr66Phe (NM_001359194.1); short protein forms N66I, S66F, Y66F.
Identifiers: ClinVar variation 1296897 (VCV001296897.2), dbSNP rs707957, ClinGen allele CA3743328.